The following is an entry in ClinVar:

ClinVar aggregate classification (germline): Likely benign (1 of 4 stars; one submission).

gnomAD v4.1: 7,035 of 981,142 alleles (0.72%); highest among the groups gnomAD compares: Non-Finnish European, 0.78%; 32 homozygotes.

Submission:

CeGaT Center for Human Genetics Tuebingen
Classification: Likely benign. Last evaluated: 2025-03-01. Review status: criteria provided, single submitter. Criteria: CeGaT Center For Human Genetics Tuebingen Variant Classification Criteria Version 2. Collection method: clinical testing. Allele origin: germline. Affected: yes. Observed: 1 variant allele.
Comment: VKORC1L1: BS2

NM_173517.6(VKORC1L1):c.-99G>A

Gene: VKORC1L1 (vitamin K epoxide reductase complex subunit 1L1; plus strand). Cytogenetic location: 7q11.21.
Variant type: single nucleotide variant.
Coding change: c.-99G>A on transcript NM_173517.6 (MANE Select); 99 bases upstream of the start codon, G replaced by A.
Molecular consequence: 5 prime UTR variant.
Genome position (GRCh38, 1-based): chr7:65,873,273, G>A. VCF-style: chr7-65873273-G-A. GRCh37 (hg19) VCF-style: chr7-65338260-G-A.
Other names: c.-99G>A (NM_001284342.3).
Identifiers: ClinVar variation 3777868 (VCV003777868.7).